The following is an entry in ClinVar:

ClinVar aggregate classification (germline): Uncertain significance. Review status: criteria provided, multiple submitters, no conflicts (2 of 4 stars). 4 submissions from 4 submitters: Uncertain significance (3). 1 of the submissions does not count toward it. Last evaluated 2024-12-31.

Conditions:
Gorlin syndrome. Also called: Nevoid Basal Cell Carcinoma Syndrome; Basal cell nevus syndrome. Identifiers: Orphanet 377, MedGen C0004779, MONDO:0007187.

Allele frequency attached by ClinVar (database versions not stated): ExAC 0.00003; gnomAD 0.00008 and 0.00009; TOPMed 0.00012.
gnomAD v4.1: 62 of 1,614,158 alleles (0.0038%); highest among the groups gnomAD compares: Admixed American, 0.043%; no homozygotes.

Submissions (4):

Ambry Genetics
Classification: Uncertain significance. Last evaluated: 2024-12-31. Review status: criteria provided, single submitter. Criteria: Ambry Variant Classification Scheme 2023. Collection method: clinical testing. Allele origin: germline.

Labcorp Genetics (formerly Invitae), Labcorp
Classification: Uncertain significance for Gorlin syndrome. Last evaluated: 2024-10-29. Review status: criteria provided, single submitter. Criteria: Invitae Variant Classification Sherloc (09022015). Collection method: clinical testing. Allele origin: germline.
Comment: This sequence change replaces alanine, which is neutral and non-polar, with valine, which is neutral and non-polar, at codon 531 of the PTCH2 protein (p.Ala531Val). This variant is present in population databases (rs766965501, gnomAD 0.03%). This variant has not been reported in the literature in individuals affected with PTCH2-related conditions. ClinVar contains an entry for this variant (Variation ID: 656125). An algorithm developed to predict the effect of missense changes on protein structure and function outputs the following: PolyPhen-2: "Benign". The valine amino acid residue is found in multiple mammalian species, which suggests that this missense change does not adversely affect protein function. In summary, the available evidence is currently insufficient to determine the role of this variant in disease. Therefore, it has been classified as a Variant of Uncertain Significance.

CeGaT Center for Human Genetics Tuebingen
Classification: Uncertain significance. Last evaluated: 2020-05-01. Review status: criteria provided, single submitter. Criteria: CeGaT Center For Human Genetics Tuebingen Variant Classification Criteria Version 2. Collection method: clinical testing. Allele origin: germline. Affected: yes. Observed: 1 variant allele.

Department of Pathology and Laboratory Medicine, Sinai Health System
Classification: Uncertain significance. Review status: no assertion criteria provided. Collection method: clinical testing. Allele origin: unknown. Affected: yes. Study: The Canadian Open Genetics Repository (COGR). Not counted in ClinVar's aggregate classification.
Comment: The PTCH2 p.Ala531Val variant was not identified in the literature nor was it identified in ClinVar, Cosmic or LOVD 3.0. The variant was identified in dbSNP (ID: rs766965501) and in control databases in 15 of 281638 chromosomes at a frequency of 0.000053 (Genome Aggregation Database Feb 27, 2017). The variant was observed in the following populations: Latino in 10 of 35412 chromosomes (freq: 0.000282), Other in 2 of 7200 chromosomes (freq: 0.000278), African in 1 of 24896 chromosomes (freq: 0.00004) and European (non-Finnish) in 2 of 128156 chromosomes (freq: 0.000016), while the variant was not observed in the Ashkenazi Jewish, East Asian, European (Finnish) or South Asian populations. The p.Ala531 residue is conserved in mammals and computational analyses (PolyPhen-2, SIFT, AlignGVGD, BLOSUM, MutationTaster) provide inconsistent predictions regarding the impact to the protein; this information is not very predictive of pathogenicity. The p.Ala531Val variant occurs in the second base of the exon. This position has been shown to be part of the splicing consensus sequence and variants involving this position sometimes affect splicing. However, 3 of 4 in silico or computational prediction software programs (SpliceSiteFinder, NNSPLICE, GeneSplicer) do not predict a greater than 10% difference in splicing. In summary, based on the above information the clinical significance of this variant cannot be determined with certainty at this time. This variant is classified as a variant of uncertain significance.

NM_003738.5(PTCH2):c.1592C>T (p.Ala531Val)

Gene: PTCH2 (patched 2; minus strand). Cytogenetic location: 1p34.1.
Variant type: single nucleotide variant.
Coding change: c.1592C>T on transcript NM_003738.5 (MANE Select); coding-DNA position 1592, C replaced by T.
Protein change: p.Ala531Val; replaces alanine 531 with valine.
Molecular consequence: missense variant.
Genome position (GRCh38, 1-based): chr1:44,828,413, G>A on the plus strand (C>T on the coding strand, the complement: PTCH2 is on the minus strand). VCF-style: chr1-44828413-G-A. GRCh37 (hg19) VCF-style: chr1-45294085-G-A.
Other names: c.1592C>T, p.Ala531Val (NM_001166292.2); short protein forms A531V.
Identifiers: ClinVar variation 656125 (VCV000656125.50), dbSNP rs766965501, ClinGen allele CA823234.